The following is an entry in ClinVar:

NM_002471.4(MYH6):c.68G>A (p.Arg23His)

Genes: MYH6 (myosin heavy chain 6; minus strand), LOC114827851 (VISTA enhancer hs2155; plus strand). Cytogenetic location: 14q11.2.
Variant type: single nucleotide variant.
Coding change: c.68G>A on transcript NM_002471.4 (MANE Select); coding-DNA position 68, G replaced by A.
Protein change: p.Arg23His; replaces arginine 23 with histidine.
Molecular consequence: missense variant.
Genome position (GRCh38, 1-based): chr14:23,407,156, C>T on the plus strand (G>A on the coding strand, the complement: MYH6 is on the minus strand). VCF-style: chr14-23407156-C-T. GRCh37 (hg19) VCF-style: chr14-23876365-C-T.
Other names: short protein forms R23H.
Identifiers: ClinVar variation 537970 (VCV000537970.13), dbSNP rs771786844, ClinGen allele CA7116274.

ClinVar aggregate classification (germline): Uncertain significance. Review status: criteria provided, multiple submitters, no conflicts (2 of 4 stars). 5 submissions from 5 submitters: Uncertain significance (5). Last evaluated 2024-07-12.

Conditions:
Cardiomyopathy (CMYO). Also called: Cardiomyopathies. Identifiers: Orphanet 167848, MedGen C0878544, MONDO:0004994, HP:0001638. Inheritance: Various modes of inheritance.
Cardiovascular phenotype. Identifiers: MedGen CN230736.
Dilated cardiomyopathy 1EE (CMD1EE). Identifiers: Orphanet 154, MedGen C2750466, MONDO:0013198, OMIM 613252.
Hypertrophic cardiomyopathy 14. Identifiers: MedGen C2750467, MONDO:0013197, OMIM 613251.
Atrial septal defect 3 (ASD3). Identifiers: Orphanet 1478, MedGen C3279790, MONDO:0013567, OMIM 614089.
Hypertrophic cardiomyopathy 1 (CMH1). Also called: Familial hypertrophic cardiomyopathy 1; MYH7-Related Familial Hypertrophic Cardiomyopathy. Identifiers: MedGen C3495498, MONDO:0008647, OMIM 192600.
Sick sinus syndrome 3, susceptibility to (SSS3). Identifiers: Orphanet 166282, MedGen C3279791, MONDO:0013568, OMIM 614090.

Allele frequency attached by ClinVar (database versions not stated): gnomAD exomes below 0.00001 and 0.00001; gnomAD 0.00001; ExAC 0.00002; TOPMed 0.00003.
gnomAD v4.1: 11 of 1,614,156 alleles (0.00068%); highest among the groups gnomAD compares: African/African-American, 0.0053%; no homozygotes.

Submissions (5):

Ambry Genetics
Classification: Uncertain significance for Cardiovascular phenotype. Last evaluated: 2024-07-12. Review status: criteria provided, single submitter. Criteria: Ambry Variant Classification Scheme 2023. Collection method: clinical testing. Allele origin: germline.
Comment: The p.R23H variant (also known as c.68G>A), located in coding exon 1 of the MYH6 gene, results from a G to A substitution at nucleotide position 68. The arginine at codon 23 is replaced by histidine, an amino acid with highly similar properties. This amino acid position is highly conserved in available vertebrate species. In addition, the in silico prediction for this alteration is inconclusive. Based on the available evidence, the clinical significance of this variant remains unclear.

Labcorp Genetics (formerly Invitae), Labcorp
Classification: Uncertain significance for Hypertrophic cardiomyopathy 14. Last evaluated: 2024-03-19. Review status: criteria provided, single submitter. Criteria: Invitae Variant Classification Sherloc (09022015). Collection method: clinical testing. Allele origin: germline.
Comment: This sequence change replaces arginine, which is basic and polar, with histidine, which is basic and polar, at codon 23 of the MYH6 protein (p.Arg23His). This variant is present in population databases (rs771786844, gnomAD 0.003%). This missense change has been observed in individual(s) with hypertrophic cardiomyopathy (PMID: 26656175). ClinVar contains an entry for this variant (Variation ID: 537970). Advanced modeling of protein sequence and biophysical properties (such as structural, functional, and spatial information, amino acid conservation, physicochemical variation, residue mobility, and thermodynamic stability) performed at Invitae indicates that this missense variant is not expected to disrupt MYH6 protein function with a negative predictive value of 80%. In summary, the available evidence is currently insufficient to determine the role of this variant in disease. Therefore, it has been classified as a Variant of Uncertain Significance.

GeneDx
Classification: Uncertain significance. Last evaluated: 2022-09-22. Review status: criteria provided, single submitter. Criteria: GeneDx Variant Classification Process June 2021. Collection method: clinical testing. Allele origin: germline. Affected: yes.
Comment: Identified in an individual with hypertrophic cardiomyopathy in the published literature who also carried variants in other cardiomyopathy genes and segregation data is limited (Bottillo et al., 2016); In silico analysis supports that this missense variant has a deleterious effect on protein structure/function; Not observed at significant frequency in large population cohorts (gnomAD); This variant is associated with the following publications: (PMID: 34426522, 26656175)

Fulgent Genetics
Classification: Uncertain significance for Hypertrophic cardiomyopathy 1; Hypertrophic cardiomyopathy 14; Dilated cardiomyopathy 1EE; Atrial septal defect 3; Sick sinus syndrome 3, susceptibility to. Last evaluated: 2021-07-13. Review status: criteria provided, single submitter. Criteria: ACMG Guidelines, 2015. Collection method: clinical testing. Allele origin: unknown.

CHEO Genetics Diagnostic Laboratory, Children's Hospital of Eastern Ontario
Classification: Uncertain significance for Cardiomyopathy. Last evaluated: 2017-09-13. Review status: criteria provided, single submitter. Criteria: ACMG Guidelines, 2015. Collection method: clinical testing. Allele origin: germline. Study: Canadian Open Genetics Repository.

Literature cited by the submitters: PubMed 26656175 (cited by Labcorp Genetics (formerly Invitae), Labcorp).